The following is an entry in ClinVar:

ClinVar aggregate classification (germline): Uncertain significance. Review status: criteria provided, multiple submitters, no conflicts (2 of 4 stars). 2 submissions from 2 submitters: Uncertain significance (2). Last evaluated 2025-10-22.

Conditions:
Autosomal recessive nonsyndromic hearing loss 1A (DFNB1A). Also called: GJB2-Related Autosomal Recessive Nonsyndromic Hearing Loss; GJB6-Related DFNB 1 Nonsyndromic Hearing Loss and Deafness; Deafness, autosomal recessive 1A; Connexin 26 deafness; Deafness nonsyndromic, Connexin 26 linked; Nonsyndromic Hearing Loss and Deafness, DFNB1. Identifiers: Orphanet 90636, MedGen C2673759, MONDO:0009076, OMIM 220290.
Autosomal recessive nonsyndromic hearing loss 1B. Also called: DEAFNESS, AUTOSOMAL RECESSIVE 1B. Identifiers: Orphanet 90636, MedGen C2675235, MONDO:0012977, OMIM 612645.
Autosomal dominant nonsyndromic hearing loss 3B. Identifiers: Orphanet 90635, MedGen C2675237, MONDO:0012975, OMIM 612643.
Hidrotic ectodermal dysplasia syndrome (GJB6). Also called: Hidrotic ectodermal dysplasia; Ectodermal dysplasia 2, hidrotic; Autosomal dominant hidrotic ectodermal dysplasia; Clouston syndrome; Clouston's hidrotic ectodermal dysplasia; CLOUSTON HIDROTIC ECTODERMAL DYSPLASIA. Identifiers: Orphanet 189, MedGen C0162361, MONDO:0007510, OMIM 129500.
Inborn genetic diseases. Identifiers: MedGen C0950123, MeSH D030342.

Allele frequency attached by ClinVar (database versions not stated): gnomAD exomes 0.00001 and below 0.00001; ExAC 0.00002; TOPMed 0.00004.
gnomAD v4.1: 5 of 1,614,206 alleles (0.00031%); highest among the groups gnomAD compares: Admixed American, 0.0017%; no homozygotes.

Submissions (2):

Ambry Genetics
Classification: Uncertain significance for Inborn genetic diseases. Last evaluated: 2025-10-22. Review status: criteria provided, single submitter. Criteria: Ambry Variant Classification Scheme 2023. Collection method: clinical testing. Allele origin: germline.

Labcorp Genetics (formerly Invitae), Labcorp
Classification: Uncertain significance for Autosomal dominant nonsyndromic hearing loss 3B; Hidrotic ectodermal dysplasia syndrome; Autosomal recessive nonsyndromic hearing loss 1B; Autosomal recessive nonsyndromic hearing loss 1A. Last evaluated: 2024-03-13. Review status: criteria provided, single submitter. Criteria: Invitae Variant Classification Sherloc (09022015). Collection method: clinical testing. Allele origin: germline.
Comment: This sequence change replaces valine, which is neutral and non-polar, with alanine, which is neutral and non-polar, at codon 153 of the GJB6 protein (p.Val153Ala). This variant is present in population databases (rs779119807, gnomAD 0.0009%). This variant has not been reported in the literature in individuals affected with GJB6-related conditions. ClinVar contains an entry for this variant (Variation ID: 1447794). Advanced modeling of protein sequence and biophysical properties (such as structural, functional, and spatial information, amino acid conservation, physicochemical variation, residue mobility, and thermodynamic stability) performed at Invitae indicates that this missense variant is not expected to disrupt GJB6 protein function with a negative predictive value of 80%. In summary, the available evidence is currently insufficient to determine the role of this variant in disease. Therefore, it has been classified as a Variant of Uncertain Significance.

NM_001110219.3(GJB6):c.458T>C (p.Val153Ala)

Gene: GJB6 (gap junction protein beta 6; minus strand). Cytogenetic location: 13q12.11.
Variant type: single nucleotide variant.
Coding change: c.458T>C on transcript NM_001110219.3 (MANE Select); coding-DNA position 458, T replaced by C.
Protein change: p.Val153Ala; replaces valine 153 with alanine.
Molecular consequence: missense variant.
Genome position (GRCh38, 1-based): chr13:20,223,023, A>G on the plus strand (T>C on the coding strand, the complement: GJB6 is on the minus strand). VCF-style: chr13-20223023-A-G. GRCh37 (hg19) VCF-style: chr13-20797162-A-G.
Other names: c.458T>C, p.Val153Ala (NM_001110220.3, NM_001110221.3, NM_001370090.1 and 3 more transcripts); c.458T>C (NM_006783.4); short protein forms V153A.
Identifiers: ClinVar variation 1447794 (VCV001447794.7), dbSNP rs779119807, ClinGen allele CA6904435.